The following is an entry in ClinVar:

NM_002016.2(FLG):c.9395G>C (p.Ser3132Thr)

Genes: CCDST (cervical cancer associated DHX9 suppressive transcript; plus strand), FLG (filaggrin; minus strand). Cytogenetic location: 1q21.3.
Variant type: single nucleotide variant.
Coding change: c.9395G>C on transcript NM_002016.2 (MANE Select); coding-DNA position 9395, G replaced by C.
Protein change: p.Ser3132Thr; replaces serine 3132 with threonine.
Molecular consequence: missense variant.
Genome position (GRCh38, 1-based): chr1:152,305,491, C>G on the plus strand (G>C on the coding strand, the complement: FLG is on the minus strand). VCF-style: chr1-152305491-C-G. GRCh37 (hg19) VCF-style: chr1-152277967-C-G.
Other names: short protein forms S3132T.
Identifiers: ClinVar variation 2661993 (VCV002661993.1), dbSNP rs923287164, ClinGen allele CA30603806.

ClinVar aggregate classification (germline): Uncertain significance (1 of 4 stars; one submission).

Allele frequency attached by ClinVar (database versions not stated): gnomAD exomes below 0.00001.
gnomAD v4.1: 2 of 1,577,344 alleles (0.00013%); highest among the groups gnomAD compares: Admixed American, 0.0018%; no homozygotes.

Submission:

GeneDx
Classification: Uncertain significance. Last evaluated: 2023-04-25. Review status: criteria provided, single submitter. Criteria: GeneDx Variant Classification Process June 2021. Collection method: clinical testing. Allele origin: germline. Affected: yes.
Comment: Not observed at significant frequency in large population cohorts (gnomAD); In silico analysis supports that this missense variant does not alter protein structure/function; Has not been previously published as pathogenic or benign to our knowledge